The following is an entry in ClinVar:

ClinVar aggregate classification (germline): Uncertain significance (1 of 4 stars; one submission).

Submission:

GeneDx
Classification: Uncertain significance. Last evaluated: 2023-03-20. Review status: criteria provided, single submitter. Criteria: GeneDx Variant Classification Process June 2021. Collection method: clinical testing. Allele origin: germline. Affected: yes.
Comment: Nonsense variant predicted to result in protein truncation as the last 10 amino acids are lost, although loss-of-function variants have not been reported downstream of this position in the protein; Not observed at significant frequency in large population cohorts (gnomAD); Has not been previously published as pathogenic or benign to our knowledge

NM_006160.4(NEUROD2):c.1119C>A (p.Tyr373Ter)

Gene: NEUROD2 (neuronal differentiation 2; minus strand). Cytogenetic location: 17q12.
Variant type: single nucleotide variant.
Coding change: c.1119C>A on transcript NM_006160.4 (MANE Select); coding-DNA position 1119, C replaced by A.
Protein change: p.Tyr373Ter; replaces tyrosine 373 with a stop codon.
Molecular consequence: nonsense.
Genome position (GRCh38, 1-based): chr17:39,605,481, G>T on the plus strand (C>A on the coding strand, the complement: NEUROD2 is on the minus strand). VCF-style: chr17-39605481-G-T. GRCh37 (hg19) VCF-style: chr17-37761734-G-T.
Other names: short protein forms Y373*.
Identifiers: ClinVar variation 2580592 (VCV002580592.1), dbSNP rs2545857700, ClinGen allele CA398855353.